The following is an entry in ClinVar:

NM_017780.4(CHD7):c.7307A>G (p.Asn2436Ser)

Gene: CHD7 (chromodomain helicase DNA binding protein 7; plus strand). Cytogenetic location: 8q12.2.
Variant type: single nucleotide variant.
Coding change: c.7307A>G on transcript NM_017780.4 (MANE Select); coding-DNA position 7307, A replaced by G.
Protein change: p.Asn2436Ser; replaces asparagine 2436 with serine.
Molecular consequence: missense variant. On other transcripts: intron variant (1).
Genome position (GRCh38, 1-based): chr8:60,856,587, A>G. VCF-style: chr8-60856587-A-G. GRCh37 (hg19) VCF-style: chr8-61769146-A-G.
Other names: c.1717-5642A>G (NM_001316690.1); short protein forms N2436S.
Identifiers: ClinVar variation 2048773 (VCV002048773.4), dbSNP rs2488074239, ClinGen allele CA371300727.

ClinVar aggregate classification (germline): Uncertain significance (1 of 4 stars; one submission).

Conditions:
CHARGE syndrome (CHARGE). Also called: Hittner Hirsch Kreh syndrome; CHARGE ASSOCIATION--COLOBOMA, HEART ANOMALY, CHOANAL ATRESIA, RETARDATION, GENITAL AND EAR ANOMALIES; Coloboma, heart anomaly, choanal atresia, retardation, genital and ear anomalies; CHARGE association; Hall-Hittner syndrome. Identifiers: Orphanet 138, MedGen C0265354, MONDO:0008965.

Submission:

Labcorp Genetics (formerly Invitae), Labcorp
Classification: Uncertain significance for CHARGE syndrome. Last evaluated: 2021-12-19. Review status: criteria provided, single submitter. Criteria: Invitae Variant Classification Sherloc (09022015). Collection method: clinical testing. Allele origin: germline.
Comment: Advanced modeling of protein sequence and biophysical properties (such as structural, functional, and spatial information, amino acid conservation, physicochemical variation, residue mobility, and thermodynamic stability) performed at Invitae indicates that this missense variant is not expected to disrupt CHD7 protein function. This variant has not been reported in the literature in individuals affected with CHD7-related conditions. This variant is not present in population databases (gnomAD no frequency). This sequence change replaces asparagine, which is neutral and polar, with serine, which is neutral and polar, at codon 2436 of the CHD7 protein (p.Asn2436Ser). In summary, the available evidence is currently insufficient to determine the role of this variant in disease. Therefore, it has been classified as a Variant of Uncertain Significance.